The following is an entry in ClinVar:

ClinVar aggregate classification (germline): Uncertain significance (1 of 4 stars; one submission).

Conditions:
Immunodeficiency. Identifiers: MedGen C0021051, MONDO:0021094, HP:0002721.

gnomAD v4.1: 1 of 1,614,178 alleles (0.000062%); highest among the groups gnomAD compares: Non-Finnish European, 0.000085%; no homozygotes.

Submission:

Labcorp Genetics (formerly Invitae), Labcorp
Classification: Uncertain significance for Immunodeficiency. Last evaluated: 2024-12-06. Review status: criteria provided, single submitter. Criteria: Invitae Variant Classification Sherloc (09022015). Collection method: clinical testing. Allele origin: germline.
Comment: This sequence change replaces threonine, which is neutral and polar, with serine, which is neutral and polar, at codon 711 of the NFAT5 protein (p.Thr711Ser). This variant is not present in population databases (gnomAD no frequency). This variant has not been reported in the literature in individuals affected with NFAT5-related conditions. An algorithm developed to predict the effect of missense changes on protein structure and function outputs the following: PolyPhen-2: "Benign". The serine amino acid residue is found in multiple mammalian species, which suggests that this missense change does not adversely affect protein function. In summary, the available evidence is currently insufficient to determine the role of this variant in disease. Therefore, it has been classified as a Variant of Uncertain Significance.

NM_138713.4(NFAT5):c.2414C>G (p.Thr805Ser)

Gene: NFAT5 (nuclear factor of activated T cells 5; plus strand). Cytogenetic location: 16q22.1.
Variant type: single nucleotide variant.
Coding change: c.2414C>G on transcript NM_138713.4 (MANE Select); coding-DNA position 2414, C replaced by G.
Protein change: p.Thr805Ser; replaces threonine 805 with serine.
Molecular consequence: missense variant.
Genome position (GRCh38, 1-based): chr16:69,692,239, C>G. VCF-style: chr16-69692239-C-G. GRCh37 (hg19) VCF-style: chr16-69726142-C-G.
Other names: c.1739C>G, p.Thr580Ser (NM_001367709.1); c.2360C>G, p.Thr787Ser (NM_006599.4); c.2132C>G, p.Thr711Ser (NM_138714.4, NM_173214.3, NM_173215.3); c.2411C>G, p.Thr804Ser (NM_001113178.3); short protein forms T580S, T711S, T787S, T804S, T805S.
Identifiers: ClinVar variation 3626815 (VCV003626815.2).
Genomic context (GRCh38, chr16:69,692,239, plus strand): 5'-GTGTGAGTCAGCTTCAGAATACTATTCAGCAGCTGCAAGCAGGGAGTTTCACAGGCAGTA[C>G]TGCTAGTGGCAGCAGTGGAAGTGTTGACTTGGTCCAACAAGTTTTAGAGGCACAGCAGCA-3'
Protein context (NP_619727.2, residues 795-815): QLQAGSFTGS[Thr805Ser]ASGSSGSVDL